The following is an entry in ClinVar:

ClinVar aggregate classification (germline): Benign. Review status: criteria provided, multiple submitters, no conflicts (2 of 4 stars). 3 submissions from 3 submitters: Benign (3). Last evaluated 2026-02-02.

Allele frequency attached by ClinVar (database versions not stated): gnomAD exomes 0.00780; ESP Exome Variant Server 0.03154; 1000 Genomes Project 0.03215; gnomAD 0.03266; 1000 Genomes Project 30x 0.03482; TOPMed 0.03518.
gnomAD v4.1: 8,929 of 1,573,540 alleles (0.57%); highest among the groups gnomAD compares: African/African-American, 11%; 434 homozygotes.

Submissions (3):

Labcorp Genetics (formerly Invitae), Labcorp
Classification: Benign. Last evaluated: 2026-02-02. Review status: criteria provided, single submitter. Criteria: Invitae Variant Classification Sherloc (09022015). Collection method: clinical testing. Allele origin: germline.

GeneDx
Classification: Benign. Last evaluated: 2016-03-17. Review status: criteria provided, single submitter. Criteria: GeneDx Variant Classification (06012015). Collection method: clinical testing. Allele origin: germline. Affected: yes.
Comment: This variant is considered likely benign or benign based on one or more of the following criteria: it is a conservative change, it occurs at a poorly conserved position in the protein, it is predicted to be benign by multiple in silico algorithms, and/or has population frequency not consistent with disease.

Breakthrough Genomics
Classification: Benign. Review status: criteria provided, single submitter. Criteria: ACMG Guidelines, 2015. Collection method: not provided. Allele origin: germline. Inheritance: Autosomal recessive inheritance. Affected: yes.

NM_001195518.2(MICU1):c.1072-16G>A

Gene: MICU1 (mitochondrial calcium uptake 1; minus strand). Cytogenetic location: 10q22.1.
Variant type: single nucleotide variant.
Coding change: c.1072-16G>A on transcript NM_001195518.2 (MANE Select); 16 bases into the intron before coding-DNA position 1072, G replaced by A.
Molecular consequence: intron variant.
Genome position (GRCh38, 1-based): chr10:72,408,053, C>T on the plus strand (G>A on the coding strand, the complement: MICU1 is on the minus strand). VCF-style: chr10-72408053-C-T. GRCh37 (hg19) VCF-style: chr10-74167811-C-T.
Other names: c.1078-16G>A (NM_006077.4); c.1090-16G>A (NM_001363513.2); c.478-16G>A (NM_001195519.2).
Identifiers: ClinVar variation 380094 (VCV000380094.10), dbSNP rs75180479, ClinGen allele CA5550077.
Genomic context (GRCh38, chr10:72,408,053, plus strand): 5'-CTTTAGGAAAGTAAAGAAGTTCTCCACCTCCTGAAATGTCAGACCCTGCAAGAGGAGAGA[C>T]AGCAAGGTAAGGCAGGACCTGTAACAAAAAGCAGCACGATATGCATAGGCAGTGATTCAC-3'